The following is an entry in ClinVar:

ClinVar aggregate classification (germline): Benign. Review status: criteria provided, multiple submitters, no conflicts (2 of 4 stars). 2 submissions from 2 submitters: Benign (2). Last evaluated 2024-01-24.

Allele frequency attached by ClinVar (database versions not stated): gnomAD exomes 0.65765; ESP Exome Variant Server 0.67309; gnomAD 0.69401 and 0.70166; 1000 Genomes Project 0.79073; TOPMed 0.70968; 1000 Genomes Project 30x 0.78888.
gnomAD v4.1: 1,057,358 of 1,596,052 alleles (66%); highest among the groups gnomAD compares: East Asian, 91%; 355,928 homozygotes.

Submissions (2):

Unidad de Genómica Garrahan, Hospital de Pediatría Garrahan
Classification: Benign. Last evaluated: 2024-01-24. Review status: criteria provided, single submitter. Criteria: ACMG Guidelines, 2015. Collection method: clinical testing. Allele origin: germline. Affected: no. Observed: 83 variant alleles.
Comment: This variant is classified as Benign based on local population frequency. This variant was detected in 94% of patients studied by a panel of primary immunodeficiencies. Number of patients: 83. Only high quality variants are reported.

GeneDx
Classification: Benign. Last evaluated: 2015-03-03. Review status: criteria provided, single submitter. Criteria: GeneDx Variant Classification Process June 2021. Collection method: clinical testing. Allele origin: germline. Affected: yes.

NM_006846.4(SPINK5):c.81+54G>A

Gene: SPINK5 (serine peptidase inhibitor Kazal type 5; plus strand). Cytogenetic location: 5q32.
Variant type: single nucleotide variant.
Coding change: c.81+54G>A on transcript NM_006846.4 (MANE Select); 54 bases into the intron after coding-DNA position 81, G replaced by A.
Molecular consequence: intron variant.
Genome position (GRCh38, 1-based): chr5:148,065,426, G>A. VCF-style: chr5-148065426-G-A. GRCh37 (hg19) VCF-style: chr5-147444989-G-A.
Other names: c.81+54G>A (NM_001127698.2, NM_001127699.2).
Identifiers: ClinVar variation 1286785 (VCV001286785.3), dbSNP rs9325061, ClinGen allele CA15374420.
Genomic context (GRCh38, chr5:148,065,426, plus strand): 5'-AGATCAGGTTAGTCCTGCTTTTTCTGTTCATTGAATTCATTCCAAGATTCCCAAAGAAAA[G>A]TGGTTTGTGGCCAACACCTTCATGTTAATAATACAAACATATTATACTGGTAGGTACTAA-3'